The following is an entry in ClinVar:

ClinVar aggregate classification (germline): Uncertain significance (1 of 4 stars; one submission).

Conditions:
Myopathy, proximal, and ophthalmoplegia (CMYO6). Also called: MYOPATHY WITH CONGENITAL JOINT CONTRACTURES, OPHTHALMOPLEGIA, AND RIMMED VACUOLES; INCLUSION BODY MYOPATHY 3, AUTOSOMAL DOMINANT; CONGENITAL MYOPATHY 6 WITH OPHTHALMOPLEGIA. Identifiers: Orphanet 363677, Orphanet 79091, MedGen C1854106, MONDO:0011577, OMIM 605637.

Submission:

Labcorp Genetics (formerly Invitae), Labcorp
Classification: Uncertain significance for Myopathy, proximal, and ophthalmoplegia. Last evaluated: 2023-08-30. Review status: criteria provided, single submitter. Criteria: Invitae Variant Classification Sherloc (09022015). Collection method: clinical testing. Allele origin: germline.
Comment: In summary, the available evidence is currently insufficient to determine the role of this variant in disease. Therefore, it has been classified as a Variant of Uncertain Significance. Advanced modeling of protein sequence and biophysical properties (such as structural, functional, and spatial information, amino acid conservation, physicochemical variation, residue mobility, and thermodynamic stability) performed at Invitae indicates that this missense variant is not expected to disrupt MYH2 protein function. This variant has not been reported in the literature in individuals affected with MYH2-related conditions. This variant is not present in population databases (gnomAD no frequency). This sequence change replaces glutamine, which is neutral and polar, with glutamic acid, which is acidic and polar, at codon 454 of the MYH2 protein (p.Gln454Glu).

NM_017534.6(MYH2):c.1360C>G (p.Gln454Glu)

Genes: MYH2 (myosin heavy chain 2; minus strand), MYHAS (myosin heavy chain gene cluster antisense RNA; plus strand). Cytogenetic location: 17p13.1.
Variant type: single nucleotide variant.
Coding change: c.1360C>G on transcript NM_017534.6 (MANE Select); coding-DNA position 1360, C replaced by G.
Protein change: p.Gln454Glu; replaces glutamine 454 with glutamic acid.
Molecular consequence: missense variant.
Genome position (GRCh38, 1-based): chr17:10,539,261, G>C on the plus strand (C>G on the coding strand, the complement: MYH2 is on the minus strand). VCF-style: chr17-10539261-G-C. GRCh37 (hg19) VCF-style: chr17-10442578-G-C.
Other names: c.1360C>G, p.Gln454Glu (NM_001100112.2); short protein forms Q454E.
Identifiers: ClinVar variation 2122831 (VCV002122831.4), dbSNP rs895972095, ClinGen allele CA398158921.